The following is an entry in ClinVar:

ClinVar aggregate classification (germline): Pathogenic/Likely pathogenic. Review status: criteria provided, multiple submitters, no conflicts (2 of 4 stars). 5 submissions from 5 submitters: Pathogenic (4); Likely pathogenic (1). Last evaluated 2025-10-29.

Conditions:
Hereditary nonpolyposis colorectal neoplasms. Identifiers: MedGen C0009405, MeSH D003123.
Hereditary cancer-predisposing syndrome. Also called: Neoplastic Syndromes, Hereditary; Tumor predisposition; Hereditary Cancer Syndrome; Hereditary neoplastic syndrome. Identifiers: Orphanet 140162, MedGen C0027672, MeSH D009386, MONDO:0015356.
Endometrial carcinoma. Also called: Endometrial carcinoma, somatic. Identifiers: MedGen C0476089, MONDO:0002447, OMIM 608089, HP:0012114.
Lynch syndrome 5 (LYNCH5). Also called: Colorectal cancer, hereditary nonpolyposis, type 5; Hereditary non-polyposis colorectal cancer, type 5. Identifiers: Orphanet 144, MedGen C1833477, MONDO:0013710, OMIM 614350. Disease mechanism: loss of function.

Submissions (5):

Dasa
Classification: Pathogenic. Last evaluated: 2025-10-29. Review status: criteria provided, single submitter. Criteria: DASA Assertion Criteria. Collection method: clinical testing. Allele origin: germline.
Comment: NM_000179.3(MSH6):c.2059dup (p.Cys687Leufs*11) introduces a premature termination codon predicted to result in loss of normal protein function. Loss-of-function is an established mechanism of disease for this gene. This variant has been recurrently observed in individuals with related phenotype (PMID: 18269114; PMID: 24362816). The variant is present at low frequency in population datasets. Based on the available data, this variant is classified as pathogenic.

Labcorp Genetics (formerly Invitae), Labcorp
Classification: Pathogenic for Hereditary nonpolyposis colorectal neoplasms. Last evaluated: 2025-02-20. Review status: criteria provided, single submitter. Criteria: Invitae Variant Classification Sherloc (09022015). Collection method: clinical testing. Allele origin: germline.
Comment: This sequence change creates a premature translational stop signal (p.Cys687Leufs*11) in the MSH6 gene. It is expected to result in an absent or disrupted protein product. Loss-of-function variants in MSH6 are known to be pathogenic (PMID: 18269114, 24362816). This variant is not present in population databases (gnomAD no frequency). This variant has not been reported in the literature in individuals affected with MSH6-related conditions. ClinVar contains an entry for this variant (Variation ID: 1785177). For these reasons, this variant has been classified as Pathogenic.

Baylor Genetics
Classification: Pathogenic for Endometrial carcinoma. Last evaluated: 2023-07-14. Review status: criteria provided, single submitter. Criteria: ACMG Guidelines, 2015. Collection method: clinical testing. Allele origin: unknown.

Ambry Genetics
Classification: Pathogenic for Hereditary cancer-predisposing syndrome. Last evaluated: 2022-07-14. Review status: criteria provided, single submitter. Criteria: Ambry Variant Classification Scheme 2023. Collection method: clinical testing. Allele origin: germline.
Comment: The c.2059dupT pathogenic mutation, located in coding exon 4 of the MSH6 gene, results from a duplication of T at nucleotide position 2059, causing a translational frameshift with a predicted alternate stop codon (p.C687Lfs*11). This variant is considered to be rare based on population cohorts in the Genome Aggregation Database (gnomAD). This alteration is expected to result in loss of function by premature protein truncation or nonsense-mediated mRNA decay. As such, this alteration is interpreted as a disease-causing mutation.

Genesis Genomics
Classification: Likely pathogenic for Lynch syndrome 5. Review status: criteria provided, single submitter. Criteria: ACMG Guidelines, 2015. Collection method: clinical testing. Allele origin: germline. Affected: yes. Observed: 1 variant allele.

Literature cited by the submitters: PubMed 18269114 (cited by Dasa and Labcorp Genetics (formerly Invitae), Labcorp); PubMed 24362816 (cited by Dasa and Labcorp Genetics (formerly Invitae), Labcorp).

NM_000179.3(MSH6):c.2059dup (p.Cys687fs)

Gene: MSH6 (mutS homolog 6; plus strand). Cytogenetic location: 2p16.3.
Variant type: Duplication.
Coding change: c.2059dup on transcript NM_000179.3 (MANE Select); coding-DNA position 2059, one base duplicated (T; older notation c.2059dupT).
Protein change: p.Cys687fs; shifts the reading frame from cysteine 687.
Molecular consequence: frameshift variant.
Genome position (GRCh38, 1-based): chr2:47,800,042, T duplicated; the last of 2 consecutive T bases (chr2:47,800,041-47,800,042); duplicating either gives the same sequence. VCF-style (leftmost placement, unchanged base first): chr2-47800040-G-GT. GRCh37 (hg19) VCF-style: chr2-48027179-G-GT.
Other names: c.1669dup, p.Cys557fs (NM_001281492.2); c.1153dup, p.Cys385fs (NM_001281493.2, NM_001281494.2); c.2155dup, p.Cys719Leufs (NM_001406795.1, NM_001406802.1); c.2059dup, p.Cys687Leufs (NM_001406796.1, NM_001406798.1, NM_001406800.1 and 3 more transcripts); c.1762dup, p.Cys588Leufs (NM_001406797.1, NM_001406801.1, NM_001406805.1 and 10 more transcripts); c.1534dup, p.Cys512Leufs (NM_001406799.1, NM_001406806.1, NM_001406807.1); c.1981dup, p.Cys661Leufs (NM_001406804.1); c.1153dup, p.Cys385Leufs (NM_001406811.1, NM_001406812.1, NM_001406814.1 and 4 more transcripts); and 3 more; short protein forms C557fs, C385fs, C687fs.
Identifiers: ClinVar variation 1785177 (VCV001785177.8), dbSNP rs2530647843, ClinGen allele CA2580067751.